The following is an entry in ClinVar:

ClinVar aggregate classification (germline): Uncertain significance. Review status: criteria provided, multiple submitters, no conflicts (2 of 4 stars). 2 submissions from 2 submitters: Uncertain significance (2). Last evaluated 2025-02-25.

Conditions:
Inborn genetic diseases. Identifiers: MedGen C0950123, MeSH D030342.
Cernunnos-XLF deficiency (IMD124). Also called: NHEJ1 SYNDROME; Severe combined immunodeficiency with sensitivity to ionizing radiation due to NHEJ1 deficiency; SCID, autosomal recessive, T cell-negative, B cell-negative, NK cell-positive, and sensitivity to ionizing radiation due to NHEJ1 deficiency; IMMUNODEFICIENCY 124, SEVERE COMBINED; SCID, AUTOSOMAL RECESSIVE, T CELL-NEGATIVE, B CELL-NEGATIVE, NK CELL-POSITIVE, WITH MICROCEPHALY, GROWTH RETARDATION, AND SENSITIVITY TO IONIZING RADIATION. Identifiers: Orphanet 169079, MedGen C1969799, MONDO:0012650, OMIM 611291.

Allele frequency attached by ClinVar (database versions not stated): ExAC 0.00002; gnomAD exomes 0.00002 and 0.00003; TOPMed 0.00003; gnomAD 0.00006.
gnomAD v4.1: 47 of 1,614,006 alleles (0.0029%); highest among the groups gnomAD compares: African/African-American, 0.0067%; no homozygotes.

Submissions (2):

Ambry Genetics
Classification: Uncertain significance for Inborn genetic diseases. Last evaluated: 2025-02-25. Review status: criteria provided, single submitter. Criteria: Ambry Variant Classification Scheme 2023. Collection method: clinical testing. Allele origin: germline.

Labcorp Genetics (formerly Invitae), Labcorp
Classification: Uncertain significance for Cernunnos-XLF deficiency. Last evaluated: 2025-02-24. Review status: criteria provided, single submitter. Criteria: Invitae Variant Classification Sherloc (09022015). Collection method: clinical testing. Allele origin: germline.
Comment: This sequence change replaces alanine, which is neutral and non-polar, with valine, which is neutral and non-polar, at codon 14 of the NHEJ1 protein (p.Ala14Val). This variant is present in population databases (rs747032828, gnomAD 0.004%). This variant has not been reported in the literature in individuals affected with NHEJ1-related conditions. ClinVar contains an entry for this variant (Variation ID: 641230). Invitae Evidence Modeling of protein sequence and biophysical properties (such as structural, functional, and spatial information, amino acid conservation, physicochemical variation, residue mobility, and thermodynamic stability) indicates that this missense variant is not expected to disrupt NHEJ1 protein function with a negative predictive value of 80%. In summary, the available evidence is currently insufficient to determine the role of this variant in disease. Therefore, it has been classified as a Variant of Uncertain Significance.

NM_024782.3(NHEJ1):c.41C>T (p.Ala14Val)

Gene: NHEJ1 (non-homologous end joining factor 1; minus strand). Cytogenetic location: 2q35.
Variant type: single nucleotide variant.
Coding change: c.41C>T on transcript NM_024782.3 (MANE Select); coding-DNA position 41, C replaced by T.
Protein change: p.Ala14Val; replaces alanine 14 with valine.
Molecular consequence: missense variant. On other transcripts: non-coding transcript variant (1).
Genome position (GRCh38, 1-based): chr2:219,158,322, G>A on the plus strand (C>T on the coding strand, the complement: NHEJ1 is on the minus strand). VCF-style: chr2-219158322-G-A. GRCh37 (hg19) VCF-style: chr2-220023044-G-A.
Other names: c.41C>T, p.Ala14Val (NM_001377498.1, NM_001377499.1); short protein forms A14V.
Identifiers: ClinVar variation 641230 (VCV000641230.8), dbSNP rs747032828, ClinGen allele CA2117108.